The following is an entry in ClinVar:

ClinVar aggregate classification (germline): Uncertain significance (1 of 4 stars; one submission).

Conditions:
RASopathy. Also called: Noonan spectrum disorder; rasopathies. Identifiers: Orphanet 536391, MedGen C5555857, MONDO:0021060.

Submission:

Labcorp Genetics (formerly Invitae), Labcorp
Classification: Uncertain significance for RASopathy. Last evaluated: 2026-01-27. Review status: criteria provided, single submitter. Criteria: Invitae Variant Classification Sherloc (09022015). Collection method: clinical testing. Allele origin: germline.
Comment: This sequence change replaces phenylalanine, which is neutral and non-polar, with serine, which is neutral and polar, at codon 750 of the CBL protein (p.Phe750Ser). This variant is not present in population databases (gnomAD no frequency). This variant has not been reported in the literature in individuals affected with CBL-related conditions. Invitae Evidence Modeling of protein sequence and biophysical properties (such as structural, functional, and spatial information, amino acid conservation, physicochemical variation, residue mobility, and thermodynamic stability) indicates that this missense variant is not expected to disrupt CBL protein function with a negative predictive value of 95%. In summary, the available evidence is currently insufficient to determine the role of this variant in disease. Therefore, it has been classified as a Variant of Uncertain Significance.

NM_005188.4(CBL):c.2249T>C (p.Phe750Ser)

Gene: CBL (Cbl proto-oncogene; plus strand). Cytogenetic location: 11q23.3.
Variant type: single nucleotide variant.
Coding change: c.2249T>C on transcript NM_005188.4 (MANE Select); coding-DNA position 2249, T replaced by C.
Protein change: p.Phe750Ser; replaces phenylalanine 750 with serine.
Molecular consequence: missense variant.
Genome position (GRCh38, 1-based): chr11:119,297,479, T>C. VCF-style: chr11-119297479-T-C. GRCh37 (hg19) VCF-style: chr11-119168189-T-C.
Other names: short protein forms F750S.
Identifiers: ClinVar variation 4747023 (VCV004747023.1).
Genomic context (GRCh38, chr11:119,297,479, plus strand): 5'-CGTATGAAGCAATGTATAATATTCAGTCCCAGGCGCCATCTATCACCGAGAGCAGCACCT[T>C]TGGTAAGTTGCCATTCTGCTACTTTAAAAATCATTGATATGTCATAGGAATGAACATGTA-3'
Protein context (NP_005179.2, residues 740-760): QAPSITESST[Phe750Ser]GEGNLAAAHA